The following is an entry in ClinVar:

ClinVar aggregate classification (germline): Uncertain significance (1 of 4 stars; one submission).

Submission:

GeneDx
Classification: Uncertain significance. Last evaluated: 2024-07-15. Review status: criteria provided, single submitter. Criteria: GeneDx Variant Classification Process June 2021. Collection method: clinical testing. Allele origin: germline. Affected: yes.
Comment: Not observed at significant frequency in large population cohorts (gnomAD); In silico analysis supports that this missense variant has a deleterious effect on protein structure/function; Has not been previously published as pathogenic or benign to our knowledge

NM_002576.5(PAK1):c.589A>T (p.Thr197Ser)

Gene: PAK1 (p21 (RAC1) activated kinase 1; minus strand). Cytogenetic location: 11q13.5.
Variant type: single nucleotide variant.
Coding change: c.589A>T on transcript NM_002576.5 (MANE Select); coding-DNA position 589, A replaced by T.
Protein change: p.Thr197Ser; replaces threonine 197 with serine.
Molecular consequence: missense variant. On other transcripts: non-coding transcript variant (2).
Genome position (GRCh38, 1-based): chr11:77,358,906, T>A on the plus strand (A>T on the coding strand, the complement: PAK1 is on the minus strand). VCF-style: chr11-77358906-T-A. GRCh37 (hg19) VCF-style: chr11-77069951-T-A.
Other names: c.589A>T, p.Thr197Ser (NM_001128620.2, NM_001376268.1, NM_001376269.1 and 26 more transcripts); c.610A>T, p.Thr204Ser (NM_001376272.1); c.340A>T, p.Thr114Ser (NM_001376301.1); c.295A>T, p.Thr99Ser (NM_001376302.1, NM_001376304.1, NM_001376305.1); short protein forms T114S, T197S, T204S, T99S.
Identifiers: ClinVar variation 3573816 (VCV003573816.1).
Genomic context (GRCh38, chr11:77,358,906, plus strand): 5'-TCCCCACTTACTCTAATAAATCACAAAACTGGCCAGGTCCCCAAAGACTCACAGATTTTG[T>A]GTGCTCTGGGCGTGGAGCAATCACTGGTGGTGGGGTAGCATCATCATCATCATCATCCTC-3'
Protein context (NP_002567.3, residues 187-207): PPVIAPRPEH[Thr197Ser]KSVYTRSVIE